The following is an entry in ClinVar:

NM_058216.3(RAD51C):c.301dup (p.Ile101fs)

Gene: RAD51C (RAD51 paralog C; plus strand). Cytogenetic location: 17q22.
Variant type: Duplication.
Coding change: c.301dup on transcript NM_058216.3 (MANE Select); coding-DNA position 301, one base duplicated (A; older notation c.301dupA).
Protein change: p.Ile101fs; shifts the reading frame from isoleucine 101.
Molecular consequence: frameshift variant. On other transcripts: non-coding transcript variant (2).
Genome position (GRCh38, 1-based): chr17:58,695,086, A duplicated; the last of 2 consecutive A bases (chr17:58,695,085-58,695,086); duplicating either gives the same sequence. VCF-style (leftmost placement, unchanged base first): chr17-58695084-T-TA. GRCh37 (hg19) VCF-style: chr17-56772445-T-TA.
Other names: c.301dup, p.Ile101fs (NM_002876.4); c.301dup, p.Ile101Asnfs (NM_058217.1); c.301dupA (NM_058216.1); short protein forms I101fs.
Identifiers: ClinVar variation 2562771 (VCV002562771.2), dbSNP rs2509275155, ClinGen allele CA2580612655.

ClinVar aggregate classification (germline): Pathogenic. Review status: criteria provided, multiple submitters, no conflicts (2 of 4 stars). 2 submissions from 2 submitters: Pathogenic (2). Last evaluated 2024-01-02.

Conditions:
Breast-ovarian cancer, familial, susceptibility to, 3. Also called: RAD51C-Related Breast/Ovarian Cancer. Identifiers: Orphanet 145, MedGen C3150659, MONDO:0013253, OMIM 613399.
Hereditary cancer-predisposing syndrome. Also called: Neoplastic Syndromes, Hereditary; Hereditary Cancer Syndrome; Hereditary neoplastic syndrome; Tumor predisposition. Identifiers: Orphanet 140162, MedGen C0027672, MeSH D009386, MONDO:0015356.

Submissions (2):

Myriad Genetics, Inc.
Classification: Pathogenic for Breast-ovarian cancer, familial, susceptibility to, 3. Last evaluated: 2024-01-02. Review status: criteria provided, single submitter. Criteria: Myriad Autosomal Dominant, Autosomal Recessive and X-Linked Classification Criteria (2023). Collection method: clinical testing. Allele origin: unknown.
Comment: This variant is considered pathogenic. This variant creates a frameshift predicted to result in premature protein truncation.

Ambry Genetics
Classification: Pathogenic for Hereditary cancer-predisposing syndrome. Last evaluated: 2023-03-27. Review status: criteria provided, single submitter. Criteria: Ambry Variant Classification Scheme 2023. Collection method: clinical testing. Allele origin: germline.
Comment: The c.301dupA pathogenic mutation, located in coding exon 2 of the RAD51C gene, results from a duplication of A at nucleotide position 301, causing a translational frameshift with a predicted alternate stop codon (p.I101Nfs*9). This alteration is expected to result in loss of function by premature protein truncation or nonsense-mediated mRNA decay. This variant is considered to be rare based on population cohorts in the Genome Aggregation Database (gnomAD). As such, this alteration is interpreted as a disease-causing mutation.